The following is an entry in ClinVar:

ClinVar aggregate classification (germline): Conflicting classifications of pathogenicity. Review status: criteria provided, conflicting classifications (1 of 4 stars). 5 submissions from 4 submitters: Uncertain significance (4); Likely benign (1). Last evaluated 2026-08-25.

Conditions:
RAX2-related disorder. Also called: RAX2-related disorders; RAX2-related condition.
Age related macular degeneration 6. Identifiers: MedGen C3151060, MONDO:0013406, OMIM 613757.
Cone-rod dystrophy 11 (CORD11). Identifiers: Orphanet 1872, MedGen C1835865, MONDO:0012483, OMIM 610381.

Allele frequency attached by ClinVar (database versions not stated): gnomAD 0.00001 and 0.00004; gnomAD exomes 0.00002 and 0.00005; TOPMed 0.00002; ExAC 0.00005; 1000 Genomes Project 0.00020; 1000 Genomes Project 30x 0.00031.

Submissions (5):

PreventionGenetics, part of Exact Sciences
Classification: Uncertain significance for RAX2-related condition. Last evaluated: 2026-08-25. Review status: criteria provided, single submitter. Criteria: ACMG Guidelines, 2015. Collection method: clinical testing. Allele origin: germline.
Comment: The RAX2 c.19G>A variant is predicted to result in the amino acid substitution p.Glu7Lys. To our knowledge, this variant has not been reported in the literature. This variant is present in 0.039% of alleles in individuals of East Asian descent in gnomAD. At this time, the clinical significance of this variant is uncertain due to the absence of conclusive functional and genetic evidence.

Labcorp Genetics (formerly Invitae), Labcorp
Classification: Uncertain significance. Last evaluated: 2025-08-03. Review status: criteria provided, single submitter. Criteria: Invitae Variant Classification Sherloc (09022015). Collection method: clinical testing. Allele origin: germline.
Comment: This sequence change replaces glutamic acid, which is acidic and polar, with lysine, which is basic and polar, at codon 7 of the RAX2 protein (p.Glu7Lys). This variant is present in population databases (rs556179949, gnomAD 0.04%). This variant has not been reported in the literature in individuals affected with RAX2-related conditions. ClinVar contains an entry for this variant (Variation ID: 328972). An algorithm developed to predict the effect of missense changes on protein structure and function (PolyPhen-2) suggests that this variant is likely to be disruptive. In summary, the available evidence is currently insufficient to determine the role of this variant in disease. Therefore, it has been classified as a Variant of Uncertain Significance.

Ambry Genetics
Classification: Uncertain significance. Last evaluated: 2023-12-28. Review status: criteria provided, single submitter. Criteria: Ambry Variant Classification Scheme 2023. Collection method: clinical testing. Allele origin: germline.

Illumina Laboratory Services, Illumina
Classification: Uncertain significance for Age related macular degeneration 6. Last evaluated: 2018-01-13. Review status: criteria provided, single submitter. Criteria: ICSL Variant Classification Criteria 13 December 2019. Collection method: clinical testing. Allele origin: germline.

Illumina Laboratory Services, Illumina
Classification: Likely benign for Cone-rod dystrophy 11. Last evaluated: 2018-01-13. Review status: criteria provided, single submitter. Criteria: ICSL Variant Classification Criteria 13 December 2019. Collection method: clinical testing. Allele origin: germline.
Comment: This variant was observed in the ICSL laboratory as part of a predisposition screen in an ostensibly healthy population. It had not been previously curated by ICSL or reported in the Human Gene Mutation Database (HGMD: prior to June 1st, 2018), and was therefore a candidate for classification through an automated scoring system. Utilizing variant allele frequency, disease prevalence and penetrance estimates, and inheritance mode, an automated score was calculated to assess if this variant is too frequent to cause the disease. Based on the score and internal cut-off values, a variant classified as likely benign is not then subjected to further curation. The score for this variant resulted in a classification of likely benign for this disease.

NM_001319074.4(RAX2):c.19G>A (p.Glu7Lys)

Gene: RAX2 (retina and anterior neural fold homeobox 2; minus strand). Cytogenetic location: 19p13.3.
Variant type: single nucleotide variant.
Coding change: c.19G>A on transcript NM_001319074.4 (MANE Select); coding-DNA position 19, G replaced by A.
Protein change: p.Glu7Lys; replaces glutamic acid 7 with lysine.
Molecular consequence: missense variant.
Genome position (GRCh38, 1-based): chr19:3,771,724, C>T on the plus strand (G>A on the coding strand, the complement: RAX2 is on the minus strand). VCF-style: chr19-3771724-C-T. GRCh37 (hg19) VCF-style: chr19-3771722-C-T.
Other names: c.19G>A, p.Glu7Lys (NM_032753.4); short protein forms E7K.
Identifiers: ClinVar variation 328972 (VCV000328972.12), dbSNP rs556179949, ClinGen allele CA9085143.